The following is an entry in ClinVar:

ClinVar aggregate classification (germline): Uncertain significance. Review status: criteria provided, multiple submitters, no conflicts (2 of 4 stars). 2 submissions from 2 submitters: Uncertain significance (2). Last evaluated 2024-11-13.

Conditions:
Inborn genetic diseases. Identifiers: MedGen C0950123, MeSH D030342.

Allele frequency attached by ClinVar (database versions not stated): gnomAD exomes below 0.00001.

Submissions (2):

Ambry Genetics
Classification: Uncertain significance for Inborn genetic diseases. Last evaluated: 2024-11-13. Review status: criteria provided, single submitter. Criteria: Ambry Variant Classification Scheme 2023. Collection method: clinical testing. Allele origin: germline.

Labcorp Genetics (formerly Invitae), Labcorp
Classification: Uncertain significance. Last evaluated: 2023-04-09. Review status: criteria provided, single submitter. Criteria: Invitae Variant Classification Sherloc (09022015). Collection method: clinical testing. Allele origin: germline.
Comment: In summary, the available evidence is currently insufficient to determine the role of this variant in disease. Therefore, it has been classified as a Variant of Uncertain Significance. Advanced modeling of protein sequence and biophysical properties (such as structural, functional, and spatial information, amino acid conservation, physicochemical variation, residue mobility, and thermodynamic stability) performed at Invitae indicates that this missense variant is not expected to disrupt GRIN2D protein function. This variant has not been reported in the literature in individuals affected with GRIN2D-related conditions. The frequency data for this variant in the population databases is considered unreliable, as metrics indicate insufficient coverage at this position in the gnomAD database. This sequence change replaces alanine, which is neutral and non-polar, with valine, which is neutral and non-polar, at codon 1032 of the GRIN2D protein (p.Ala1032Val).

NM_000836.4(GRIN2D):c.3095C>T (p.Ala1032Val)

Gene: GRIN2D (glutamate ionotropic receptor NMDA type subunit 2D; plus strand). Cytogenetic location: 19q13.33.
Variant type: single nucleotide variant.
Coding change: c.3095C>T on transcript NM_000836.4 (MANE Select); coding-DNA position 3095, C replaced by T.
Protein change: p.Ala1032Val; replaces alanine 1032 with valine.
Molecular consequence: missense variant.
Genome position (GRCh38, 1-based): chr19:48,443,021, C>T. VCF-style: chr19-48443021-C-T. GRCh37 (hg19) VCF-style: chr19-48946278-C-T.
Other names: c.3095C>T (NM_000836.2); short protein forms A1032V.
Identifiers: ClinVar variation 2899045 (VCV002899045.4), dbSNP rs2513692456, ClinGen allele CA406674869.
Genomic context (GRCh38, chr19:48,443,021, plus strand): 5'-GCGACAAGGAGCCAGCCGAGCCCCCCGCCGGCGCCTTCCCCGGCTTCCCGTCGCCGCCCG[C>T]GCCCCCCGCCGCCGCGGCCACCGCCGTCGGGCCGCCACTCTGCCGCTTGGCCTTCGAGGA-3'
Protein context (NP_000827.2, residues 1022-1042): GAFPGFPSPP[Ala1032Val]PPAAAATAVG